The following is an entry in ClinVar:

NM_021927.3(GUF1):c.1019A>G (p.His340Arg)

Gene: GUF1 (GTP binding elongation factor GUF1; plus strand). Cytogenetic location: 4p12.
Variant type: single nucleotide variant.
Coding change: c.1019A>G on transcript NM_021927.3 (MANE Select); coding-DNA position 1019, A replaced by G.
Protein change: p.His340Arg; replaces histidine 340 with arginine.
Molecular consequence: missense variant.
Genome position (GRCh38, 1-based): chr4:44,688,087, A>G. VCF-style: chr4-44688087-A-G. GRCh37 (hg19) VCF-style: chr4-44690104-A-G.
Other names: c.47A>G, p.His16Arg (NM_001345867.2, NM_001345869.2); c.1019A>G, p.His340Arg (NM_001345868.2); short protein forms H340R, H16R.
Identifiers: ClinVar variation 2855748 (VCV002855748.3), dbSNP rs1435162034, ClinGen allele CA356762851.
Genomic context (GRCh38, chr4:44,688,087, plus strand): 5'-ATCTGATTGCTGGGATGAAAGATGTCACTGAAGCGCAAATAGGAGATACATTATGTTTAC[A>G]TAAGCAACCAGTGGAGCCCTTGCCTGGGTTTAAATCAGCGAAACCAATGGTATTTGCAGG-3'
Protein context (NP_068746.2, residues 330-350): EAQIGDTLCL[His340Arg]KQPVEPLPGF

ClinVar aggregate classification (germline): Uncertain significance (1 of 4 stars; one submission).

Allele frequency attached by ClinVar (database versions not stated): gnomAD 0.00001; TOPMed 0.00001.
gnomAD v4.1: 3 of 1,612,380 alleles (0.00019%); highest among the groups gnomAD compares: African/African-American, 0.0013%; no homozygotes.

Submission:

Labcorp Genetics (formerly Invitae), Labcorp
Classification: Uncertain significance. Last evaluated: 2023-12-22. Review status: criteria provided, single submitter. Criteria: Invitae Variant Classification Sherloc (09022015). Collection method: clinical testing. Allele origin: germline.
Comment: This sequence change replaces histidine, which is basic and polar, with arginine, which is basic and polar, at codon 340 of the GUF1 protein (p.His340Arg). This variant is present in population databases (no rsID available, gnomAD 0.0009%). This variant has not been reported in the literature in individuals affected with GUF1-related conditions. Advanced modeling of protein sequence and biophysical properties (such as structural, functional, and spatial information, amino acid conservation, physicochemical variation, residue mobility, and thermodynamic stability) performed at Invitae indicates that this missense variant is not expected to disrupt GUF1 protein function with a negative predictive value of 80%. In summary, the available evidence is currently insufficient to determine the role of this variant in disease. Therefore, it has been classified as a Variant of Uncertain Significance.